The following is an entry in ClinVar:

NM_004448.4(ERBB2):c.3408G>T (p.Gln1136His)

Gene: ERBB2 (erb-b2 receptor tyrosine kinase 2; plus strand). Cytogenetic location: 17q12.
Variant type: single nucleotide variant.
Coding change: c.3408G>T on transcript NM_004448.4 (MANE Select); coding-DNA position 3408, G replaced by T.
Protein change: p.Gln1136His; replaces glutamine 1136 with histidine.
Molecular consequence: missense variant. On other transcripts: non-coding transcript variant (1), intron variant (2).
Genome position (GRCh38, 1-based): chr17:39,727,543, G>T. VCF-style: chr17-39727543-G-T. GRCh37 (hg19) VCF-style: chr17-37883796-G-T.
Other names: c.3318G>T, p.Gln1106His (NM_001005862.3, NM_001382782.1, NM_001382783.1); c.3363G>T, p.Gln1121His (NM_001289936.2); c.3525G>T, p.Gln1175His (NM_001382784.1); c.3510G>T, p.Gln1170His (NM_001382785.1); c.3489G>T, p.Gln1163His (NM_001382786.1); c.3483G>T, p.Gln1161His (NM_001382787.1); c.3438G>T, p.Gln1146His (NM_001382788.1); c.3429G>T, p.Gln1143His (NM_001382789.1); and 17 more; short protein forms Q1084H, Q1103H, Q1107H, Q1135H, Q1136H, Q1161H, Q860H, Q1050H.
Identifiers: ClinVar variation 3726834 (VCV003726834.2).

ClinVar aggregate classification (germline): Uncertain significance (1 of 4 stars; one submission).

Submission:

Labcorp Genetics (formerly Invitae), Labcorp
Classification: Uncertain significance. Last evaluated: 2024-12-09. Review status: criteria provided, single submitter. Criteria: Invitae Variant Classification Sherloc (09022015). Collection method: clinical testing. Allele origin: germline.
Comment: This sequence change replaces glutamine, which is neutral and polar, with histidine, which is basic and polar, at codon 1136 of the ERBB2 protein (p.Gln1136His). This variant is not present in population databases (gnomAD no frequency). This variant has not been reported in the literature in individuals affected with ERBB2-related conditions. An algorithm developed to predict the effect of missense changes on protein structure and function (PolyPhen-2) suggests that this variant is likely to be tolerated. In summary, the available evidence is currently insufficient to determine the role of this variant in disease. Therefore, it has been classified as a Variant of Uncertain Significance.